The following is an entry in ClinVar:

NM_005271.5(GLUD1):c.1202T>C (p.Ile401Thr)

Gene: GLUD1 (glutamate dehydrogenase 1; minus strand). Cytogenetic location: 10q23.2.
Variant type: single nucleotide variant.
Coding change: c.1202T>C on transcript NM_005271.5 (MANE Select); coding-DNA position 1202, T replaced by C.
Protein change: p.Ile401Thr; replaces isoleucine 401 with threonine.
Molecular consequence: missense variant.
Genome position (GRCh38, 1-based): chr10:87,060,237, A>G on the plus strand (T>C on the coding strand, the complement: GLUD1 is on the minus strand). VCF-style: chr10-87060237-A-G. GRCh37 (hg19) VCF-style: chr10-88819994-A-G.
Other names: c.1202T>C (NM_005271.4); c.803T>C, p.Ile268Thr (NM_001318900.1); c.701T>C, p.Ile234Thr (NM_001318901.1, NM_001318902.1, NM_001318904.2 and 2 more transcripts); short protein forms I234T, I268T, I401T.
Identifiers: ClinVar variation 3100387 (VCV003100387.2), dbSNP rs1166616017, ClinGen allele CA377466788.

ClinVar aggregate classification (germline): Uncertain significance. Review status: criteria provided, multiple submitters, no conflicts (2 of 4 stars). 2 submissions from 2 submitters: Uncertain significance (2). Last evaluated 2026-07-24.

Conditions:
GLUD1-related disorder. Also called: GLUD1-related condition.
Inborn genetic diseases. Identifiers: MedGen C0950123, MeSH D030342.

Allele frequency attached by ClinVar (database versions not stated): gnomAD exomes below 0.00001.
gnomAD v4.1: 1 of 1,604,488 alleles (0.000062%); highest among the groups gnomAD compares: Admixed American, 0.0017%; no homozygotes.

Submissions (2):

PreventionGenetics, part of Exact Sciences
Classification: Uncertain significance for GLUD1-related condition. Last evaluated: 2026-07-24. Review status: criteria provided, single submitter. Criteria: ACMG Guidelines, 2015. Collection method: clinical testing. Allele origin: germline.
Comment: The GLUD1 c.1202T>C variant is predicted to result in the amino acid substitution p.Ile401Thr. To our knowledge, this variant has not been reported in the literature. This variant is reported in 0.0029% of alleles in individuals of Latino descent in gnomAD. At this time, the clinical significance of this variant is uncertain due to the absence of conclusive functional and genetic evidence.

Ambry Genetics
Classification: Uncertain significance for Inborn genetic diseases. Last evaluated: 2023-12-28. Review status: criteria provided, single submitter. Criteria: Ambry Variant Classification Scheme 2023. Collection method: clinical testing. Allele origin: germline.